The following is an entry in ClinVar:

NM_014000.3(VCL):c.3373C>G (p.Arg1125Gly)

Gene: VCL (vinculin; plus strand). Cytogenetic location: 10q22.2.
Variant type: single nucleotide variant.
Coding change: c.3373C>G on transcript NM_014000.3 (MANE Select); coding-DNA position 3373, C replaced by G.
Protein change: p.Arg1125Gly; replaces arginine 1125 with glycine.
Molecular consequence: missense variant.
Genome position (GRCh38, 1-based): chr10:74,118,137, C>G. VCF-style: chr10-74118137-C-G. GRCh37 (hg19) VCF-style: chr10-75877895-C-G.
Other names: c.3169C>G, p.Arg1057Gly (NM_003373.4); short protein forms R1125G, R1057G.
Identifiers: ClinVar variation 2565626 (VCV002565626.2), dbSNP rs373317423, ClinGen allele CA377268824.

ClinVar aggregate classification (germline): Uncertain significance (1 of 4 stars; one submission).

Conditions:
Cardiovascular phenotype. Identifiers: MedGen CN230736.

gnomAD v4.1: 1 of 1,614,090 alleles (0.000062%); highest among the groups gnomAD compares: Non-Finnish European, 0.000085%; no homozygotes.

Submission:

Ambry Genetics
Classification: Uncertain significance for Cardiovascular phenotype. Last evaluated: 2023-05-26. Review status: criteria provided, single submitter. Criteria: Ambry Variant Classification Scheme 2023. Collection method: clinical testing. Allele origin: germline.
Comment: The p.R1125G variant (also known as c.3373C>G), located in coding exon 22 of the VCL gene, results from a C to G substitution at nucleotide position 3373. The arginine at codon 1125 is replaced by glycine, an amino acid with dissimilar properties. This amino acid position is conserved. In addition, this alteration is predicted to be tolerated by in silico analysis. Since supporting evidence is limited at this time, the clinical significance of this alteration remains unclear.